The following is an entry in ClinVar:

NM_002471.4(MYH6):c.2040del (p.Lys681fs)

Gene: MYH6 (myosin heavy chain 6; minus strand). Cytogenetic location: 14q11.2.
Variant type: Deletion.
Coding change: c.2040del on transcript NM_002471.4 (MANE Select); coding-DNA position 2040, one base deleted (G; older notation c.2040delG).
Protein change: p.Lys681fs; shifts the reading frame from lysine 681.
Molecular consequence: frameshift variant.
Genome position (GRCh38, 1-based): chr14:23,397,180, C deleted on the plus strand (G on the coding strand, the reverse complement: MYH6 is on the minus strand); the first of 2 consecutive C bases (chr14:23,397,180-23,397,181); deleting either gives the same sequence. VCF-style (leftmost placement, unchanged base first): chr14-23397179-TC-T. GRCh37 (hg19) VCF-style: chr14-23866388-TC-T.
Other names: short protein forms K681fs.
Identifiers: ClinVar variation 1012344 (VCV001012344.3), dbSNP rs2138604913, ClinGen allele CA2499222569.

ClinVar aggregate classification (germline): Uncertain significance. Review status: criteria provided, single submitter (1 of 4 stars). 2 submissions from 2 submitters: Uncertain significance (1). 1 of the submissions does not count toward it. Last evaluated 2025-07-08.

Conditions:
Dilated cardiomyopathy 1EE (CMD1EE). Identifiers: Orphanet 154, MedGen C2750466, MONDO:0013198, OMIM 613252.

Submissions (2):

GeneDx
Classification: Uncertain significance. Last evaluated: 2025-07-08. Review status: criteria provided, single submitter. Criteria: GeneDx Variant Classification Process June 2021. Collection method: clinical testing. Allele origin: germline. Affected: yes.
Comment: Reported in the published literature in association with hypertrophic and dilated cardiomyopathy (PMID: 34011823, 38186735); Frameshift variant predicted to result in protein truncation or nonsense mediated decay in a gene or region of a gene for which loss of function is not a well-established mechanism of disease; Not observed at significant frequency in large population cohorts (gnomAD); This variant is associated with the following publications: (PMID: 34011823, 38186735)

KTest Genetics, KTest
Classification: Likely pathogenic for Dilated cardiomyopathy 1EE. Review status: no assertion criteria provided. Criteria: ACMG Guidelines, 2015. Collection method: clinical testing. Allele origin: germline. Affected: yes. Not counted in ClinVar's aggregate classification.